The following is an entry in ClinVar:

NM_001365631.1(CLASP2):c.275-10C>T

Gene: CLASP2 (cytoplasmic linker associated protein 2; minus strand). Cytogenetic location: 3p22.3.
Variant type: single nucleotide variant.
Coding change: c.275-10C>T on transcript NM_001365631.1 (MANE Select); 10 bases into the intron before coding-DNA position 275, C replaced by T.
Molecular consequence: intron variant.
Genome position (GRCh38, 1-based): chr3:33,689,942, G>A on the plus strand (C>T on the coding strand, the complement: CLASP2 is on the minus strand). VCF-style: chr3-33689942-G-A. GRCh37 (hg19) VCF-style: chr3-33731434-G-A.
Other names: c.-23-10C>T (NM_001375713.1); c.275-10C>T (NM_001375705.1, NM_001365634.1, NM_001365630.1 and 11 more transcripts).
Identifiers: ClinVar variation 717181 (VCV000717181.5), dbSNP rs181608554, ClinGen allele CA2303285.

ClinVar aggregate classification (germline): Likely benign. Review status: criteria provided, single submitter (1 of 4 stars). 2 submissions from 2 submitters: Likely benign (1). 1 of the submissions does not count toward it. Last evaluated 2017-08-11.

Conditions:
CLASP2-related disorder. Also called: CLASP2-related condition.

Allele frequency attached by ClinVar (database versions not stated): gnomAD exomes 0.00019 and 0.00058; ExAC 0.00097; ESP Exome Variant Server 0.00127; gnomAD 0.00158 and 0.00163; TOPMed 0.00188; 1000 Genomes Project 0.00260; 1000 Genomes Project 30x 0.00265.
gnomAD v4.1: 527 of 1,537,938 alleles (0.034%); highest among the groups gnomAD compares: African/African-American, 0.47%; no homozygotes.

Submissions (2):

Labcorp Genetics (formerly Invitae), Labcorp
Classification: Likely benign. Last evaluated: 2017-08-11. Review status: criteria provided, single submitter. Criteria: Invitae Variant Classification Sherloc (09022015). Collection method: clinical testing. Allele origin: germline.

PreventionGenetics, part of Exact Sciences
Classification: Likely benign for CLASP2-related condition. Last evaluated: 2019-11-26. Review status: no assertion criteria provided. Collection method: clinical testing. Allele origin: germline. Not counted in ClinVar's aggregate classification.
Comment: This variant is classified as likely benign based on ACMG/AMP sequence variant interpretation guidelines (Richards et al. 2015 PMID: 25741868, with internal and published modifications).